The following is an entry in ClinVar:

NC_000023.10:g.(?_32756908)_(32841967_?)dup

Gene: DMD (dystrophin; minus strand). Cytogenetic location: Xp21.1.
Variant type: Duplication.
Identifiers: ClinVar variation 3243187 (VCV003243187.1).

ClinVar aggregate classification (germline): Pathogenic (1 of 4 stars; one submission).

Conditions:
Duchenne muscular dystrophy (DMD). Also called: MUSCULAR DYSTROPHY, PSEUDOHYPERTROPHIC PROGRESSIVE, DUCHENNE TYPE; Duchenne Muscular Dystrophy (DMD). Identifiers: Orphanet 98896, MedGen C0013264, MONDO:0010679, OMIM 310200.

Submission:

Labcorp Genetics (formerly Invitae), Labcorp
Classification: Pathogenic for Duchenne muscular dystrophy. Last evaluated: 2023-11-02. Review status: criteria provided, single submitter. Criteria: Invitae Variant Classification Sherloc (09022015). Collection method: clinical testing. Allele origin: unknown.
Comment: This variant results in a copy number gain of the genomic region encompassing exon(s) 5-7 of the DMD gene. While the exact position of this variant cannot be determined from the data, sub-genic copy number gains are generally in tandem (PMID: 25640679). This variant is predicted to be out-of-frame, and may result in an absent or disrupted protein product. Loss-of-function variants in DMD are known to be pathogenic (PMID: 16770791, 25007885). A similar copy number variant has been observed in individuals with DMD-related muscular dystrophy (PMID: 16917894, 17726484, 18683213, 18752307, 27206868). For these reasons, this variant has been classified as Pathogenic.

Literature cited by the submitters: PubMed 25640679; PubMed 16770791; PubMed 25007885; PubMed 16917894; PubMed 17726484; PubMed 18683213; PubMed 18752307; PubMed 27206868.